The following is an entry in ClinVar:

ClinVar aggregate classification (germline): Uncertain significance (1 of 4 stars; one submission).

Submission:

CeGaT Center for Human Genetics Tuebingen
Classification: Uncertain significance. Last evaluated: 2026-06-01. Review status: criteria provided, single submitter. Criteria: CeGaT Center For Human Genetics Tuebingen Variant Classification Criteria Version 2. Collection method: clinical testing. Allele origin: germline. Affected: yes. Observed: 1 variant allele.
Comment: ADNP: PM2, PM4:Supporting, PS2:Supporting, PS4:Supporting

NM_001282531.3(ADNP):c.2425AAG[1] (p.Lys810del)

Gene: ADNP (activity dependent neuroprotector homeobox; minus strand). Cytogenetic location: 20q13.13.
Variant type: Microsatellite.
Coding change: c.2425AAG[1] on transcript NM_001282531.3 (MANE Select); one copy of the 3-base unit AAG starting at c.2425; the reference has two copies in a row; one copy, 3 bases deleted.
Protein change: p.Lys810del; deletes lysine 810.
Molecular consequence: inframe deletion.
Genome position (GRCh38, 1-based): chr20:50,892,284-50,892,286, CTT deleted on the plus strand (AAG on the coding strand, the reverse complement: ADNP is on the minus strand); deleting any 3 consecutive bases within chr20:50,892,284-50,892,290 gives the same sequence; the position shown is the placement nearest the transcript's 3' end. VCF-style (leftmost placement, unchanged base first): chr20-50892283-ACTT-A. GRCh37 (hg19) VCF-style: chr20-49508820-ACTT-A.
Other names: c.2425AAG[1], p.Lys810del (NM_001282532.2, NM_001347511.2, NM_015339.5 and 1 more transcripts); c.2641AAG[1], p.Lys882del (NM_001439000.1); c.1741AAG[1], p.Lys582del (NM_001439001.1); short protein forms K582del, K810del, K882del.
Identifiers: ClinVar variation 4875222 (VCV004875222.2).